The following is an entry in ClinVar:

ClinVar aggregate classification (germline): Uncertain significance (1 of 4 stars; one submission).

Allele frequency attached by ClinVar (database versions not stated): TOPMed 0.00001; gnomAD 0.00001; gnomAD exomes below 0.00001; ExAC 0.00001.
gnomAD v4.1: 8 of 1,613,528 alleles (0.0005%); highest among the groups gnomAD compares: Non-Finnish European, 0.00068%; no homozygotes.

Submission:

Labcorp Genetics (formerly Invitae), Labcorp
Classification: Uncertain significance. Last evaluated: 2021-08-31. Review status: criteria provided, single submitter. Criteria: Invitae Variant Classification Sherloc (09022015). Collection method: clinical testing. Allele origin: germline.
Comment: This sequence change replaces histidine with tyrosine at codon 103 of the PDSS2 protein (p.His103Tyr). The histidine residue is moderately conserved and there is a moderate physicochemical difference between histidine and tyrosine. This variant is present in population databases (rs762858267, ExAC 0.002%). This variant has not been reported in the literature in individuals affected with PDSS2-related conditions. Algorithms developed to predict the effect of missense changes on protein structure and function output the following: SIFT: "Tolerated"; PolyPhen-2: "Benign"; Align-GVGD: "Class C0". The tyrosine amino acid residue is found in multiple mammalian species, which suggests that this missense change does not adversely affect protein function. In summary, the available evidence is currently insufficient to determine the role of this variant in disease. Therefore, it has been classified as a Variant of Uncertain Significance.

NM_020381.4(PDSS2):c.307C>T (p.His103Tyr)

Gene: PDSS2 (decaprenyl diphosphate synthase subunit 2; minus strand). Cytogenetic location: 6q21.
Variant type: single nucleotide variant.
Coding change: c.307C>T on transcript NM_020381.4 (MANE Select); coding-DNA position 307, C replaced by T.
Protein change: p.His103Tyr; replaces histidine 103 with tyrosine.
Molecular consequence: missense variant.
Genome position (GRCh38, 1-based): chr6:107,334,322, G>A on the plus strand (C>T on the coding strand, the complement: PDSS2 is on the minus strand). VCF-style: chr6-107334322-G-A. GRCh37 (hg19) VCF-style: chr6-107655526-G-A.
Other names: short protein forms H103Y.
Identifiers: ClinVar variation 1367555 (VCV001367555.5), dbSNP rs762858267, ClinGen allele CA3946149.
Genomic context (GRCh38, chr6:107,334,322, plus strand): 5'-CTGCTTTAGAGATAAGGAGCACCACCAAGCCCCTCAACTGGAGGCTATTCCAGCTGTCAT[G>A]TACAAGCCCCCTGCCAACAAGCAAAGAAGGAAGAGGATTAATATACCCTCACGAGATCAT-3'
Protein context (NP_065114.3, residues 93-113): PLLTTARGLV[His103Tyr]DSWNSLQLRG